The following is an entry in ClinVar:

ClinVar aggregate classification (germline): Likely pathogenic (1 of 4 stars; one submission).

Conditions:
Pierson syndrome. Also called: MICROCORIA-CONGENITAL NEPHROTIC SYNDROME. Identifiers: Orphanet 2670, MedGen C1836876, MONDO:0012184, OMIM 609049.

Submission:

Neuberg Centre For Genomic Medicine, NCGM
Classification: Likely pathogenic for Pierson syndrome. Last evaluated: 2023-05-20. Review status: criteria provided, single submitter. Criteria: ACMG Guidelines, 2015. Collection method: clinical testing. Allele origin: germline. Inheritance: Autosomal recessive inheritance. Affected: yes.
Comment: The observed stop gained c.2833C>T(p.Gln945Ter) variant in LAMB2 gene has not been reported previously as a pathogenic variant nor as a benign variant, to our knowledge. This variant is absent in gnomAD Exomes. This variant is predicted to cause loss of normal protein function either through protein truncation or nonsense-mediated mRNA decay. Loss of function variants have been previously reported to be disease causing (Zhu et al., 2019). Computational evidence (MutationTaster - Disease causing automatic) predicts damaging effect on protein structure and function for this variant. For these reasons, this variant has been classified as Likely Pathogenic.

NM_002292.4(LAMB2):c.2833C>T (p.Gln945Ter)

Gene: LAMB2 (laminin subunit beta 2; minus strand). Cytogenetic location: 3p21.31.
Variant type: single nucleotide variant.
Coding change: c.2833C>T on transcript NM_002292.4 (MANE Select); coding-DNA position 2833, C replaced by T.
Protein change: p.Gln945Ter; replaces glutamine 945 with a stop codon.
Molecular consequence: nonsense.
Genome position (GRCh38, 1-based): chr3:49,125,057, G>A on the plus strand (C>T on the coding strand, the complement: LAMB2 is on the minus strand). VCF-style: chr3-49125057-G-A. GRCh37 (hg19) VCF-style: chr3-49162490-G-A.
Other names: short protein forms Q945*.
Identifiers: ClinVar variation 3362373 (VCV003362373.3), dbSNP rs2107639217.
Genomic context (GRCh38, chr3:49,125,057, plus strand): 5'-TCCACTCACCCGTATAGCCTGCCCGGCAGTGGCACACAATCTGCTGGGAATATTCATCCT[G>A]GTGGCAAGAAGTAGCAAAGTGCCGTTGGCTCCCAGGGCCTTCAGGACAGGGACAGGGCCG-3'